The following is an entry in ClinVar:

ClinVar aggregate classification (germline): Uncertain significance (1 of 4 stars; one submission).

Conditions:
Ehlers-Danlos syndrome, classic type, 1 (EDSCL1). Also called: EHLERS-DANLOS SYNDROME, GRAVIS TYPE; EHLERS-DANLOS SYNDROME, SEVERE CLASSIC TYPE; Ehlers-Danlos syndrome, type 1; Ehlers-Danlos Syndrome, Classic Type, COL5A1-Related; EDS I. Identifiers: MedGen C0268335, MONDO:0019567, OMIM 130000.

gnomAD v4.1: 2 of 1,612,974 alleles (0.00012%); highest among the groups gnomAD compares: African/African-American, 0.0013%; no homozygotes.

Submission:

Labcorp Genetics (formerly Invitae), Labcorp
Classification: Uncertain significance for Ehlers-Danlos syndrome, classic type, 1. Last evaluated: 2025-10-09. Review status: criteria provided, single submitter. Criteria: Invitae Variant Classification Sherloc (09022015). Collection method: clinical testing. Allele origin: germline.
Comment: This sequence change replaces glycine, which is neutral and non-polar, with arginine, which is basic and polar, at codon 588 of the COL5A2 protein (p.Gly588Arg). This variant is present in population databases (rs749312789, gnomAD 0.0009%). This variant has not been reported in the literature in individuals affected with COL5A2-related conditions. Invitae Evidence Modeling of protein sequence and biophysical properties (such as structural, functional, and spatial information, amino acid conservation, physicochemical variation, residue mobility, and thermodynamic stability) indicates that this missense variant is expected to disrupt COL5A2 protein function with a positive predictive value of 80%. In summary, the available evidence is currently insufficient to determine the role of this variant in disease. Therefore, it has been classified as a Variant of Uncertain Significance.

NM_000393.5(COL5A2):c.1762G>A (p.Gly588Arg)

Gene: COL5A2 (collagen type V alpha 2 chain; minus strand). Cytogenetic location: 2q32.2.
Variant type: single nucleotide variant.
Coding change: c.1762G>A on transcript NM_000393.5 (MANE Select); coding-DNA position 1762, G replaced by A.
Protein change: p.Gly588Arg; replaces glycine 588 with arginine.
Molecular consequence: missense variant.
Genome position (GRCh38, 1-based): chr2:189,063,988, C>T on the plus strand (G>A on the coding strand, the complement: COL5A2 is on the minus strand). VCF-style: chr2-189063988-C-T. GRCh37 (hg19) VCF-style: chr2-189928714-C-T.
Other names: short protein forms G588R.
Identifiers: ClinVar variation 4717019 (VCV004717019.1).
Genomic context (GRCh38, chr2:189,063,988, plus strand): 5'-CATGTCTGTTGAAAAATATTAGTGGTTGTGGACTTCTGTTTAAATTACTTACCAAAGGTC[C>T]AAGTTTTCCTTCAGGACCTTGAACACCAGGATTTCCTGTCAAACCCTGAAAATAAAAAAC-3'
Protein context (NP_000384.2, residues 578-598): PGVQGPEGKL[Gly588Arg]PLGAPGEDGR